The following is an entry in ClinVar:

NM_007294.4(BRCA1):c.163A>G (p.Lys55Glu)

Gene: BRCA1 (BRCA1 DNA repair associated; minus strand). Cytogenetic location: 17q21.31.
Variant type: single nucleotide variant.
Coding change: c.163A>G on transcript NM_007294.4 (MANE Select); coding-DNA position 163, A replaced by G.
Protein change: p.Lys55Glu; replaces lysine 55 with glutamic acid.
Molecular consequence: missense variant. On other transcripts: non-coding transcript variant (1).
Genome position (GRCh38, 1-based): chr17:43,106,505, T>C on the plus strand (A>G on the coding strand, the complement: BRCA1 is on the minus strand). VCF-style: chr17-43106505-T-C. GRCh37 (hg19) VCF-style: chr17-41258522-T-C.
Other names: c.163A>G, p.Lys55Glu (NM_001407626.1, NM_001407627.1, NM_001407628.1 and 168 more transcripts); c.22A>G, p.Lys8Glu (NM_001407692.1, NM_001407694.1, NM_001407695.1 and 99 more transcripts); c.-26A>G (NM_001407853.1, NM_001407886.1, NM_001407887.1 and 58 more transcripts); short protein forms K8E, K55E.
Identifiers: ClinVar variation 865216 (VCV000865216.3), dbSNP rs2054787010, ClinGen allele CA10601831.

Conditions:
Breast-ovarian cancer, familial, susceptibility to, 1 (BROVCA1). Also called: BRCA1 Hereditary Breast and Ovarian Cancer; OVARIAN CANCER, SUSCEPTIBILITY TO. Identifiers: Orphanet 145, MedGen C2676676, MONDO:0011450, OMIM 604370. Disease mechanism: loss of function.

Submission:

Brotman Baty Institute, University of Washington
No classification provided (evidence only). Condition: Breast-ovarian cancer, familial 1. Review status: no classification provided. Collection method: in vitro. Allele origin: not applicable. Functional consequence: functionally_normal.
ClinVar note: "not provided" was previously submitted as the classification for the variant. However, the classification appeared to be based only on an observation of functional data so it was converted to no classification on 2025-07-30.